The following is an entry in ClinVar:

ClinVar aggregate classification (germline): Uncertain significance (1 of 4 stars; one submission).

Submission:

Ambry Genetics
Classification: Uncertain significance. Last evaluated: 2025-08-23. Review status: criteria provided, single submitter. Criteria: Ambry Variant Classification Scheme 2023. Collection method: clinical testing. Allele origin: germline.
Comment: The p.K1452E variant (also known as c.4354A>G), located in coding exon 39 of the KIF1B gene, results from an A to G substitution at nucleotide position 4354. The lysine at codon 1452 is replaced by glutamic acid, an amino acid with similar properties. This amino acid position is conserved. In addition, the in silico prediction for this alteration is inconclusive. Based on the available evidence, the clinical significance of this variant remains unclear.

NM_001365951.3(KIF1B):c.4492A>G (p.Lys1498Glu)

Gene: KIF1B (kinesin family member 1B; plus strand). Cytogenetic location: 1p36.22.
Variant type: single nucleotide variant.
Coding change: c.4492A>G on transcript NM_001365951.3 (MANE Select); coding-DNA position 4492, A replaced by G.
Protein change: p.Lys1498Glu; replaces lysine 1498 with glutamic acid.
Molecular consequence: missense variant.
Genome position (GRCh38, 1-based): chr1:10,365,225, A>G. VCF-style: chr1-10365225-A-G. GRCh37 (hg19) VCF-style: chr1-10425283-A-G.
Other names: c.4492A>G, p.Lys1498Glu (NM_001365952.1); c.4354A>G, p.Lys1452Glu (NM_015074.3); short protein forms K1452E, K1498E.
Identifiers: ClinVar variation 4092312 (VCV004092312.1).